The following is an entry in ClinVar:

NM_000030.3(AGXT):c.140G>A (p.Gly47Glu)

Gene: AGXT (alanine--glyoxylate aminotransferase; plus strand). Cytogenetic location: 2q37.3.
Variant type: single nucleotide variant.
Coding change: c.140G>A on transcript NM_000030.3 (MANE Select); coding-DNA position 140, G replaced by A.
Protein change: p.Gly47Glu; replaces glycine 47 with glutamic acid.
Molecular consequence: missense variant.
Genome position (GRCh38, 1-based): chr2:240,869,005, G>A. VCF-style: chr2-240869005-G-A. GRCh37 (hg19) VCF-style: chr2-241808422-G-A.
Other names: short protein forms G47E.
Identifiers: ClinVar variation 2681153 (VCV002681153.1), dbSNP rs1171762321, ClinGen allele CA351313242.

ClinVar aggregate classification (germline): Likely pathogenic (1 of 4 stars; one submission).

Conditions:
Primary hyperoxaluria, type I (HP1). Also called: OXALOSIS I; Primary hyperoxaluria type 1; GLYCOLIC ACIDURIA; HEPATIC AGT DEFICIENCY. Identifiers: Orphanet 416, Orphanet 93598, MedGen C0268164, MONDO:0009823, OMIM 259900. Disease mechanism: loss of function.

gnomAD v4.1: 1 of 1,468,824 alleles (0.000068%); highest among the groups gnomAD compares: Non-Finnish European, 0.000092%; no homozygotes.

Submission:

Clinical Biochemistry Laboratory, Health Services Laboratory
Classification: Likely pathogenic for Primary hyperoxaluria, type I. Last evaluated: 2023-10-27. Review status: criteria provided, single submitter. Criteria: ACMG Guidelines, 2015. Collection method: curation. Allele origin: germline. Affected: yes.
Comment: ACMG:PM2 PM3 PP3 PP4

Literature cited by the submitters: PubMed 34082749.